The following is an entry in ClinVar:

NM_001184.4(ATR):c.4852+21C>T

Gene: ATR (ATR serine/threonine kinase; minus strand). Cytogenetic location: 3q23.
Variant type: single nucleotide variant.
Coding change: c.4852+21C>T on transcript NM_001184.4 (MANE Select); 21 bases into the intron after coding-DNA position 4852, C replaced by T.
Molecular consequence: intron variant.
Genome position (GRCh38, 1-based): chr3:142,512,239, G>A on the plus strand (C>T on the coding strand, the complement: ATR is on the minus strand). VCF-style: chr3-142512239-G-A. GRCh37 (hg19) VCF-style: chr3-142231081-G-A.
Other names: c.4660+21C>T (NM_001354579.2).
Identifiers: ClinVar variation 157991 (VCV000157991.8), dbSNP rs587783332, ClinGen allele CA171366.
Genomic context (GRCh38, chr3:142,512,239, plus strand): 5'-ATTATAGAACTGATAAAGGGAAGAGCTAATTGGTGAATAGCTAAAAAAAAAAAAAAAAAA[G>A]AAACAGAAGTGATAACTCACCCATTGAGTCTACCTTATTTCTGTTTGATTTGCTGTGTGG-3'

ClinVar aggregate classification (germline): Benign. Review status: criteria provided, single submitter (1 of 4 stars). 2 submissions from 2 submitters: Benign (1). 1 of the submissions does not count toward it. Last evaluated 2018-07-13.

Submissions (2):

GeneDx
Classification: Benign. Last evaluated: 2018-07-13. Review status: criteria provided, single submitter. Criteria: GeneDx Variant Classification Process June 2021. Collection method: clinical testing. Allele origin: germline. Affected: yes.

Genetic Services Laboratory, University of Chicago
Classification: Likely benign. Review status: no assertion criteria provided. Collection method: clinical testing. Allele origin: germline. Inheritance: Autosomal recessive inheritance. Not counted in ClinVar's aggregate classification.
Comment: Likely benign based on allele frequency in 1000 Genomes Project or ESP global frequency and its presence in a patient with a rare or unrelated disease phenotype. NOT Sanger confirmed